The following is an entry in ClinVar:

NM_001042492.3(NF1):c.3256C>A (p.Gln1086Lys)

Gene: NF1 (neurofibromin 1; plus strand). Cytogenetic location: 17q11.2.
Variant type: single nucleotide variant.
Coding change: c.3256C>A on transcript NM_001042492.3 (MANE Select); coding-DNA position 3256, C replaced by A.
Protein change: p.Gln1086Lys; replaces glutamine 1086 with lysine.
Molecular consequence: missense variant.
Genome position (GRCh38, 1-based): chr17:31,232,131, C>A. VCF-style: chr17-31232131-C-A. GRCh37 (hg19) VCF-style: chr17-29559149-C-A.
Other names: c.3256C>A, p.Gln1086Lys (NM_000267.4); short protein forms Q1086K.
Identifiers: ClinVar variation 2744316 (VCV002744316.3), dbSNP rs2067123355, ClinGen allele CA398988807.
Genomic context (GRCh38, chr17:31,232,131, plus strand): 5'-AGAGATTTGGACCAGGCAAGCATGGAAGCAGTAGTTTCACTTCTAGCTGGTCTCCCTCTG[C>A]AGCCTGAAGAAGGAGATGGTGTGGAATTGATGGAAGCCAAATCACAGTTATTTCTTAAGT-3'
Protein context (NP_001035957.1, residues 1076-1096): VVSLLAGLPL[Gln1086Lys]PEEGDGVELM

ClinVar aggregate classification (germline): Uncertain significance (1 of 4 stars; one submission).

Conditions:
Neurofibromatosis, type 1 (NF1). Also called: Peripheral type neurofibromatosis; NEUROFIBROMATOSIS, TYPE I, SOMATIC; VON RECKLINGHAUSEN DISEASE; Neurofibromatosis, type I. Identifiers: Orphanet 636, MedGen C0027831, MONDO:0018975, OMIM 162200. Disease mechanism: loss of function.

Submission:

Labcorp Genetics (formerly Invitae), Labcorp
Classification: Uncertain significance for Neurofibromatosis, type 1. Last evaluated: 2024-10-04. Review status: criteria provided, single submitter. Criteria: Invitae Variant Classification Sherloc (09022015). Collection method: clinical testing. Allele origin: germline.
Comment: This sequence change replaces glutamine, which is neutral and polar, with lysine, which is basic and polar, at codon 1086 of the NF1 protein (p.Gln1086Lys). This variant is not present in population databases (gnomAD no frequency). This variant has not been reported in the literature in individuals affected with NF1-related conditions. Invitae Evidence Modeling of protein sequence and biophysical properties (such as structural, functional, and spatial information, amino acid conservation, physicochemical variation, residue mobility, and thermodynamic stability) indicates that this missense variant is expected to disrupt NF1 protein function with a positive predictive value of 95%. In summary, the available evidence is currently insufficient to determine the role of this variant in disease. Therefore, it has been classified as a Variant of Uncertain Significance.